The following is an entry in ClinVar:

ClinVar aggregate classification (germline): Uncertain significance. Review status: criteria provided, multiple submitters, no conflicts (2 of 4 stars). 2 submissions from 2 submitters: Uncertain significance (2). Last evaluated 2023-06-28.

Conditions:
Cardiomyopathy (CMYO). Also called: Cardiomyopathies. Identifiers: Orphanet 167848, MedGen C0878544, MONDO:0004994, HP:0001638. Inheritance: Various modes of inheritance.

Allele frequency attached by ClinVar (database versions not stated): gnomAD exomes below 0.00001.

Submissions (2):

All of Us Research Program, National Institutes of Health
Classification: Uncertain significance for Cardiomyopathy. Last evaluated: 2023-06-28. Review status: criteria provided, single submitter. Criteria: ACMG Guidelines, 2015. Collection method: clinical testing. Allele origin: germline. Inheritance: Autosomal dominant inheritance. Observed: 1 variant allele, 1 heterozygote.
Comment: This study involves interpretation of variants in research participants for the purpose of population health screening. Participant phenotype was not available at the time of variant classification. Additional details can be found in publication PMID: 35346344, PMCID: PMC8962531

GeneDx
Classification: Uncertain significance. Last evaluated: 2019-05-14. Review status: criteria provided, single submitter. Criteria: GeneDx Variant Classification Process June 2021. Collection method: clinical testing. Allele origin: germline. Affected: yes.
Comment: Has not been previously published as pathogenic or benign to our knowledge; Not observed at a significant frequency in large population cohorts (Lek et al., 2016); In silico analysis, which includes protein predictors and evolutionary conservation, supports a deleterious effect

NM_000257.4(MYH7):c.4762C>A (p.Arg1588Ser)

Genes: MHRT (myosin heavy chain associated RNA transcript; plus strand), MYH7 (myosin heavy chain 7; minus strand), LOC126861897 (BRD4-independent group 4 enhancer GRCh37_chr14:23884455-23885654; plus strand). Cytogenetic location: 14q11.2.
Variant type: single nucleotide variant.
Coding change: c.4762C>A on transcript NM_000257.4 (MANE Select); coding-DNA position 4762, C replaced by A.
Protein change: p.Arg1588Ser; replaces arginine 1588 with serine.
Molecular consequence: missense variant. On other transcripts: non-coding transcript variant (1).
Genome position (GRCh38, 1-based): chr14:23,416,195, G>T on the plus strand (C>A on the coding strand, the complement: MYH7 is on the minus strand). VCF-style: chr14-23416195-G-T. GRCh37 (hg19) VCF-style: chr14-23885404-G-T.
Other names: short protein forms R1588S.
Identifiers: ClinVar variation 1321036 (VCV001321036.3), dbSNP rs1194197356, ClinGen allele CA389037683.
Genomic context (GRCh38, chr14:23,416,195, plus strand): 5'-GGCTGCGTGTCTCTGCGTCCAGGGAGGTCTGCAGCGAGTCCACCACCCGCAGGTGGTTGC[G>T]CTTGGCCTGTTCCATCTCCTCGTCCTTCTCTGCCAGCTTCCGCTCGATCTCTGCCTTGAT-3'
Protein context (NP_000248.2, residues 1578-1598): EKDEEMEQAK[Arg1588Ser]NHLRVVDSLQ